The following is an entry in ClinVar:

ClinVar aggregate classification (germline): Pathogenic. Review status: criteria provided, multiple submitters, no conflicts (2 of 4 stars). 2 submissions from 2 submitters: Pathogenic (2). Last evaluated 2026-01-27.

Conditions:
Congenital isolated adrenocorticotropic hormone deficiency. Also called: ACTH DEFICIENCY, ISOLATED; ACTH deficiency; Adrenocorticotropic hormone deficiency. Identifiers: Orphanet 199296, MedGen C0342388, MONDO:0008720, OMIM 201400, HP:0011748.

Submissions (2):

Labcorp Genetics (formerly Invitae), Labcorp
Classification: Pathogenic. Last evaluated: 2026-01-27. Review status: criteria provided, single submitter. Criteria: Invitae Variant Classification Sherloc (09022015). Collection method: clinical testing. Allele origin: germline.
Comment: This sequence change creates a premature translational stop signal (p.Glu230*) in the TBX19 gene. It is expected to result in an absent or disrupted protein product. Loss-of-function variants in TBX19 are known to be pathogenic (PMID: 22170728). This variant is not present in population databases (gnomAD no frequency). This variant has not been reported in the literature in individuals affected with TBX19-related conditions. ClinVar contains an entry for this variant (Variation ID: 1676659). Algorithms developed to predict the effect of sequence changes on RNA splicing suggest that this variant may disrupt the consensus splice site. For these reasons, this variant has been classified as Pathogenic.

Dasa
Classification: Pathogenic for Congenital isolated adrenocorticotropic hormone deficiency. Last evaluated: 2022-04-10. Review status: criteria provided, single submitter. Criteria: ACMG Guidelines, 2015. Collection method: clinical testing. Allele origin: germline. Affected: yes. Observed: 1 variant allele.
Comment: The c.688G>T;p.(Glu230*) variant creates a premature translational stop signal in the TBX19 gene. It is expected to result in an absent or disrupted protein product -PVS1. This variant is not present in population databases (rs930801019- gnomAD; ABraOM no frequency) - PM2. The p.(Glu230*) was detected homozygous state in analyzed samplePM3_supporting. In summary, the currently available evidence indicates that the variant is pathogenic.

Literature cited by the submitters: PubMed 22170728 (cited by Labcorp Genetics (formerly Invitae), Labcorp).

NM_005149.3(TBX19):c.688G>T (p.Glu230Ter)

Gene: TBX19 (T-box transcription factor 19; plus strand). Cytogenetic location: 1q24.2.
Variant type: single nucleotide variant.
Coding change: c.688G>T on transcript NM_005149.3 (MANE Select); coding-DNA position 688, G replaced by T.
Protein change: p.Glu230Ter; replaces glutamic acid 230 with a stop codon.
Molecular consequence: nonsense.
Genome position (GRCh38, 1-based): chr1:168,300,444, G>T. VCF-style: chr1-168300444-G-T. GRCh37 (hg19) VCF-style: chr1-168269682-G-T.
Other names: short protein forms E230*.
Identifiers: ClinVar variation 1676659 (VCV001676659.5), dbSNP rs930801019, ClinGen allele CA31416218.